The following is an entry in ClinVar:

NM_001371986.1(UNC80):c.2322C>A (p.Asn774Lys)

Gene: UNC80 (unc-80 homolog, NALCN channel complex subunit; plus strand). Cytogenetic location: 2q34.
Variant type: single nucleotide variant.
Coding change: c.2322C>A on transcript NM_001371986.1 (MANE Select); coding-DNA position 2322, C replaced by A.
Protein change: p.Asn774Lys; replaces asparagine 774 with lysine.
Molecular consequence: missense variant.
Genome position (GRCh38, 1-based): chr2:209,820,670, C>A. VCF-style: chr2-209820670-C-A. GRCh37 (hg19) VCF-style: chr2-210685394-C-A.
Other names: c.2322C>A, p.Asn774Lys (NM_032504.2, NM_182587.4); short protein forms N774K.
Identifiers: ClinVar variation 2071345 (VCV002071345.1), dbSNP rs2080070355, ClinGen allele CA350137131.

ClinVar aggregate classification (germline): Uncertain significance (1 of 4 stars; one submission).

Allele frequency attached by ClinVar (database versions not stated): gnomAD 0.00001.

Submission:

Labcorp Genetics (formerly Invitae), Labcorp
Classification: Uncertain significance. Last evaluated: 2022-06-24. Review status: criteria provided, single submitter. Criteria: Invitae Variant Classification Sherloc (09022015). Collection method: clinical testing. Allele origin: germline.
Comment: This sequence change replaces asparagine, which is neutral and polar, with lysine, which is basic and polar, at codon 774 of the UNC80 protein (p.Asn774Lys). This variant is not present in population databases (gnomAD no frequency). This variant has not been reported in the literature in individuals affected with UNC80-related conditions. Algorithms developed to predict the effect of missense changes on protein structure and function are either unavailable or do not agree on the potential impact of this missense change (SIFT: "Not Available"; PolyPhen-2: "Benign"; Align-GVGD: "Not Available"). In summary, the available evidence is currently insufficient to determine the role of this variant in disease. Therefore, it has been classified as a Variant of Uncertain Significance.